The following is an entry in ClinVar:

ClinVar aggregate classification (germline): Uncertain significance (1 of 4 stars; one submission).

Conditions:
Nemaline myopathy 2 (NEM2). Also called: Nemaline myopathy 2, autosomal recessive. Identifiers: MedGen C1850569, MONDO:0009725, OMIM 256030.

gnomAD v4.1: 6 of 1,613,642 alleles (0.00037%); highest among the groups gnomAD compares: South Asian, 0.0022%; no homozygotes.

Submission:

Labcorp Genetics (formerly Invitae), Labcorp
Classification: Uncertain significance for Nemaline myopathy 2. Last evaluated: 2021-01-18. Review status: criteria provided, single submitter. Criteria: Invitae Variant Classification Sherloc (09022015). Collection method: clinical testing. Allele origin: germline.
Comment: This sequence change replaces histidine with glutamine at codon 3533 of the NEB protein (p.His3533Gln). The histidine residue is moderately conserved and there is a small physicochemical difference between histidine and glutamine. This variant is not present in population databases (ExAC no frequency). This variant has not been reported in the literature in individuals with NEB-related conditions. Algorithms developed to predict the effect of missense changes on protein structure and function are either unavailable or do not agree on the potential impact of this missense change (SIFT: "Deleterious"; PolyPhen-2: "Not Available"; Align-GVGD: "Class C0"). In summary, the available evidence is currently insufficient to determine the role of this variant in disease. Therefore, it has been classified as a Variant of Uncertain Significance.

NM_001164508.2(NEB):c.10599C>A (p.His3533Gln)

Gene: NEB (nebulin; minus strand). Cytogenetic location: 2q23.3.
Variant type: single nucleotide variant.
Coding change: c.10599C>A on transcript NM_001164508.2 (MANE Select); coding-DNA position 10599, C replaced by A.
Protein change: p.His3533Gln; replaces histidine 3533 with glutamine.
Molecular consequence: missense variant.
Genome position (GRCh38, 1-based): chr2:151,619,724, G>T on the plus strand (C>A on the coding strand, the complement: NEB is on the minus strand). VCF-style: chr2-151619724-G-T. GRCh37 (hg19) VCF-style: chr2-152476238-G-T.
Other names: c.10599C>A, p.His3533Gln (NM_001164507.2, NM_001271208.2); c.9870C>A, p.His3290Gln (NM_004543.5); short protein forms H3533Q, H3290Q.
Identifiers: ClinVar variation 2170591 (VCV002170591.1), dbSNP rs2552232852, ClinGen allele CA348788753.